The following is an entry in ClinVar:

NM_020702.5(MYORG):c.1771A>G (p.Ile591Val)

Gene: MYORG (myogenesis regulating glycosidase; minus strand). Cytogenetic location: 9p13.3.
Variant type: single nucleotide variant.
Coding change: c.1771A>G on transcript NM_020702.5 (MANE Select); coding-DNA position 1771, A replaced by G.
Protein change: p.Ile591Val; replaces isoleucine 591 with valine.
Molecular consequence: missense variant.
Genome position (GRCh38, 1-based): chr9:34,371,173, T>C on the plus strand (A>G on the coding strand, the complement: MYORG is on the minus strand). VCF-style: chr9-34371173-T-C. GRCh37 (hg19) VCF-style: chr9-34371171-T-C.
Other names: short protein forms I591V.
Identifiers: ClinVar variation 1000365 (VCV001000365.10), dbSNP rs115786753, ClinGen allele CA5032838.
Genomic context (GRCh38, chr9:34,371,173, plus strand): 5'-GCAGGGCGGCGAACTTCTGCGCGATGGCCACCACTTCCGCGTCGTAGCGCCAGGGCGGGA[T>C]AGAGAACTGCATGGCCGGCATAAAGGCGGCCACTTCCAGCCAGCGAATGTAGAGCTCGCG-3'
Protein context (NP_065753.2, residues 581-601): AAFMPAMQFS[Ile591Val]PPWRYDAEVV

ClinVar aggregate classification (germline): Uncertain significance. Review status: criteria provided, multiple submitters, no conflicts (2 of 4 stars). 2 submissions from 2 submitters: Uncertain significance (2). Last evaluated 2023-12-11.

Allele frequency attached by ClinVar (database versions not stated): gnomAD exomes 0.00005 and 0.00012; ExAC 0.00014; ESP Exome Variant Server 0.00033; TOPMed 0.00033; gnomAD 0.00036; 1000 Genomes Project 30x 0.00094; 1000 Genomes Project 0.00100.
gnomAD v4.1: 129 of 1,610,630 alleles (0.008%); highest among the groups gnomAD compares: African/African-American, 0.15%; no homozygotes.

Submissions (2):

Labcorp Genetics (formerly Invitae), Labcorp
Classification: Uncertain significance. Last evaluated: 2023-12-11. Review status: criteria provided, single submitter. Criteria: Invitae Variant Classification Sherloc (09022015). Collection method: clinical testing. Allele origin: germline.
Comment: This sequence change replaces isoleucine, which is neutral and non-polar, with valine, which is neutral and non-polar, at codon 591 of the KIAA1161 protein (p.Ile591Val). This variant is present in population databases (rs115786753, gnomAD 0.1%). This variant has not been reported in the literature in individuals affected with KIAA1161-related conditions. ClinVar contains an entry for this variant (Variation ID: 1000365). Advanced modeling of protein sequence and biophysical properties (such as structural, functional, and spatial information, amino acid conservation, physicochemical variation, residue mobility, and thermodynamic stability) performed at Invitae indicates that this missense variant is not expected to disrupt KIAA1161 protein function with a negative predictive value of 80%. In summary, the available evidence is currently insufficient to determine the role of this variant in disease. Therefore, it has been classified as a Variant of Uncertain Significance.

Breakthrough Genomics
Classification: Uncertain significance. Review status: criteria provided, single submitter. Criteria: ACMG Guidelines, 2015. Collection method: not provided. Allele origin: germline. Inheritance: Autosomal recessive inheritance. Affected: yes.